The following is an entry in ClinVar:

ClinVar aggregate classification (germline): Conflicting classifications of pathogenicity. Review status: criteria provided, conflicting classifications (1 of 4 stars). 12 submissions from 12 submitters: Uncertain significance (1); Benign (6); Likely benign (5). Last evaluated 2026-08-01.

Conditions:
Familial thoracic aortic aneurysm and aortic dissection (TAAD). Also called: Thoracic aortic aneurysms and dissections. Identifiers: Orphanet 91387, MedGen C4707243, MONDO:0019625.
Aortic aneurysm, familial thoracic 4 (AAT4). Also called: AORTIC ANEURYSM/AORTIC DISSECTION AND PATENT DUCTUS ARTERIOSUS. Identifiers: MedGen C1851504, MONDO:0007568, OMIM 132900.

Allele frequency attached by ClinVar (database versions not stated): gnomAD exomes 0.00013 and 0.00033; ExAC 0.00026; gnomAD 0.00031 and 0.00036; TOPMed 0.00037; ESP Exome Variant Server 0.00038.
gnomAD v4.1: 297 of 1,614,104 alleles (0.018%); highest among the groups gnomAD compares: East Asian, 0.22%; 2 homozygotes.

Submissions (12):

CeGaT Center for Human Genetics Tuebingen
Classification: Likely benign. Last evaluated: 2026-08-01. Review status: criteria provided, single submitter. Criteria: CeGaT Center For Human Genetics Tuebingen Variant Classification Criteria Version 2. Collection method: clinical testing. Allele origin: germline. Affected: yes. Observed: 1 variant allele.
Comment: MYH11: BP4, BP7

Labcorp Genetics (formerly Invitae), Labcorp
Classification: Benign for Aortic aneurysm, familial thoracic 4. Last evaluated: 2026-02-04. Review status: criteria provided, single submitter. Criteria: Invitae Variant Classification Sherloc (09022015). Collection method: clinical testing. Allele origin: germline.

Blueprint Genetics
Classification: Likely benign. Last evaluated: 2024-10-10. Review status: criteria provided, single submitter. Criteria: ACMG Guidelines, 2015. Collection method: clinical testing. Allele origin: germline.

Mayo Clinic Laboratories, Mayo Clinic
Classification: Benign. Last evaluated: 2024-09-19. Review status: criteria provided, single submitter. Criteria: ACMG Guidelines, 2015. Collection method: clinical testing. Allele origin: germline. Observed: 2 variant alleles.
Comment: BS1, BS2, BP4, BP7

ARUP Laboratories, Molecular Genetics and Genomics, ARUP Laboratories
Classification: Likely benign. Last evaluated: 2024-09-16. Review status: criteria provided, single submitter. Criteria: ARUP Molecular Germline Variant Investigation Process 2024. Collection method: clinical testing. Allele origin: germline.

All of Us Research Program, National Institutes of Health
Classification: Benign for Familial thoracic aortic aneurysm and aortic dissection. Last evaluated: 2024-02-05. Review status: criteria provided, single submitter. Criteria: ACMG Guidelines, 2015. Collection method: clinical testing. Allele origin: germline. Inheritance: Autosomal dominant inheritance. Observed: 53 variant alleles, 53 heterozygotes.
Comment: This study involves interpretation of variants in research participants for the purpose of population health screening. Participant phenotype was not available at the time of variant classification. Additional details can be found in publication PMID: 35346344, PMCID: PMC8962531

Color Diagnostics, LLC DBA Color Health
Classification: Benign for Familial thoracic aortic aneurysm and aortic dissection. Last evaluated: 2018-10-15. Review status: criteria provided, single submitter. Criteria: ACMG Guidelines, 2015. Collection method: clinical testing. Allele origin: germline.

Women's Health and Genetics/Laboratory Corporation of America, LabCorp
Classification: Benign. Last evaluated: 2018-10-08. Review status: criteria provided, single submitter. Criteria: LabCorp Variant Classification Summary - May 2015. Collection method: clinical testing. Allele origin: germline.
Comment: Variant summary: MYH11 c.471C>T alters a non-conserved nucleotide resulting in a synonymous change. 5/5 computational tools predict no significant impact on normal splicing. However, these predictions have yet to be confirmed by functional studies. The variant allele was found at a frequency of 0.00035 in 277230 control chromosomes. The observed variant frequency is approximately 277-fold over the estimated maximal expected allele frequency for a pathogenic variant in MYH11 causing Aortopathy phenotype (1.3e-06), strongly suggesting that the variant is benign. To our knowledge, no occurrence of c.471C>T in individuals affected with Aortopathy and no experimental evidence demonstrating its impact on protein function have been reported. Four clinical diagnostic laboratories have submitted clinical-significance assessments for this variant to ClinVar after 2014 without evidence for independent evaluation (1x benign, 2x likely benign, 1x VUS). Based on the evidence outlined above, the variant was classified as benign.

Illumina Laboratory Services, Illumina
Classification: Uncertain significance for Aortic aneurysm, familial thoracic 4. Last evaluated: 2018-01-13. Review status: criteria provided, single submitter. Criteria: ICSL Variant Classification Criteria 13 December 2019. Collection method: clinical testing. Allele origin: germline.

CHEO Genetics Diagnostic Laboratory, Children's Hospital of Eastern Ontario
Classification: Benign for Familial thoracic aortic aneurysm and aortic dissection. Last evaluated: 2017-08-25. Review status: criteria provided, single submitter. Criteria: ACMG Guidelines, 2015. Collection method: clinical testing. Allele origin: germline. Study: Canadian Open Genetics Repository.

GeneDx
Classification: Likely benign. Last evaluated: 2017-06-22. Review status: criteria provided, single submitter. Criteria: GeneDx Variant Classification (06012015). Collection method: clinical testing. Allele origin: germline. Affected: yes.
Comment: This variant is considered likely benign or benign based on one or more of the following criteria: it is a conservative change, it occurs at a poorly conserved position in the protein, it is predicted to be benign by multiple in silico algorithms, and/or has population frequency not consistent with disease.

Ambry Genetics
Classification: Likely benign for Familial thoracic aortic aneurysm and aortic dissection. Last evaluated: 2015-08-12. Review status: criteria provided, single submitter. Criteria: Ambry Variant Classification Scheme 2023. Collection method: clinical testing. Allele origin: germline.

NM_002474.3(MYH11):c.471C>T (p.Ile157=)

Gene: MYH11 (myosin heavy chain 11; minus strand). Cytogenetic location: 16p13.11.
Variant type: single nucleotide variant.
Coding change: c.471C>T on transcript NM_002474.3 (MANE Select); coding-DNA position 471, C replaced by T.
Protein change: p.Ile157=; no amino-acid change (isoleucine 157 retained).
Molecular consequence: synonymous variant.
Genome position (GRCh38, 1-based): chr16:15,823,286, G>A on the plus strand (C>T on the coding strand, the complement: MYH11 is on the minus strand). VCF-style: chr16-15823286-G-A. GRCh37 (hg19) VCF-style: chr16-15917143-G-A.
Other names: p.Ile157=; c.471C>T, p.Ile157= (NM_001040113.2, NM_001040114.2, NM_022844.3).
Identifiers: ClinVar variation 263341 (VCV000263341.31), dbSNP rs140267000, ClinGen allele CA7923041.